The following is an entry in ClinVar:

ClinVar aggregate classification (germline): Pathogenic/Likely pathogenic. Review status: criteria provided, multiple submitters, no conflicts (2 of 4 stars). 4 submissions from 4 submitters: Pathogenic (1); Likely pathogenic (2). 1 of the submissions does not count toward it. Last evaluated 2025-06-18.

Conditions:
Hereditary cancer-predisposing syndrome. Also called: Tumor predisposition; Neoplastic Syndromes, Hereditary; Hereditary neoplastic syndrome; Hereditary Cancer Syndrome. Identifiers: Orphanet 140162, MedGen C0027672, MeSH D009386, MONDO:0015356.
Familial multiple polyposis syndrome (FAP). Also called: Familial adenomatous polyposis; Familial polyposis; Familial Adenomatous Polyposis (FAP); Classic familial adenomatous polyposis; Familial intestinal polyposis. Identifiers: Orphanet 733, MedGen C0032580, MONDO:0021055. Disease mechanism: loss of function.

Submissions (4):

Color Diagnostics, LLC DBA Color Health
Classification: Likely pathogenic for Hereditary cancer-predisposing syndrome. Last evaluated: 2025-06-18. Review status: criteria provided, single submitter. Criteria: ACMG Guidelines, 2015. Collection method: clinical testing. Allele origin: germline.
Comment: This variant inserts 2 nucleotides in the splice donor region in intron 15 of the APC gene. Splice site prediction tools suggest that this variant may significantly impact RNA splicing. To our knowledge, RNA studies have not been reported for this variant. However this variant is highly similar in sequence to APC:c.1958+3A>G, which has been shown to result in skipping of exon 15 (coding exon 14PMID: 15459959) and is considered disease causing (ClinVar Variation Id: 245982). This variant has been reported in individuals affected with familial polyposis syndrome in the literature (PMID: 20564245, 25604157). This variant has not been identified in the general population by the Genome Aggregation Database (gnomAD). Loss of APC function is a known mechanism of disease. Based on the available evidence, this variant is classified as Likely Pathogenic.

Women's Health and Genetics/Laboratory Corporation of America, LabCorp
Classification: Likely pathogenic for Familial adenomatous polyposis. Last evaluated: 2017-12-15. Review status: criteria provided, single submitter. Criteria: LabCorp Variant Classification Summary - May 2015. Collection method: clinical testing. Allele origin: germline.
Comment: Variant summary: The c.1958+1_1958+2dupGTvariant in APC gene is an intronic change that results in dinucleotide duplication immediately after canonical +2 position. 5/5 in silico tools via Alamut tools predicted to severely decrease canonical donor site, however no functional studies confirming these predictions have been published at the time of evaluation. The variant is absent from the large control population dataset of gnomAD (~240190 chrs tested). The c.1958+1_1958+2dupGT has been reported in at least three affected with histologically documented and genetically confirmed diagnosis of FAP (Out_2015; Miclea_2010). Taking together, the variant was classified as Likely Pathogenic.

Ambry Genetics
Classification: Pathogenic for Hereditary cancer-predisposing syndrome. Last evaluated: 2017-10-20. Review status: criteria provided, single submitter. Criteria: Ambry Variant Classification Scheme 2023. Collection method: clinical testing. Allele origin: germline.
Comment: The c.1958+1_1958+2dupGT intronic pathogenic mutation, results from a duplication of 2 nucleotides at nucleotide position 1958 after intron 14 of the APC gene. This splice prediction software predicts a significant weakening in the native splice donor site efficiency; however, direct evidence is unavailable. This mutation has been previously reported in two individuals meeting clinical diagnostic criteria for FAP (Miclea RL et al. J. Bone Miner. Res. 2010 Dec;25:2624-32). In addition to the clinical data presented in the literature, alterations that disrupt the canonical splice site are expected to cause aberrant splicing, resulting in an abnormal protein or a transcript that is subject to nonsense-mediated mRNA decay. As such, this alteration is classified as pathogenic.

Department of Pathology and Laboratory Medicine, Sinai Health System
Classification: Uncertain significance. Review status: no assertion criteria provided. Collection method: clinical testing. Allele origin: unknown. Affected: yes. Study: The Canadian Open Genetics Repository (COGR). Not counted in ClinVar's aggregate classification.
Comment: The APC c.1958+1_1958+2dupGT variant was identified in 1 of 342 proband chromosomes (frequency: 0.003) from an individual with familial adenomatous polyposis (FAP) (Out 2015); however, control chromosomes were not evaluated in these studies, thus the prevalence of this variant in the general population could not be determined. The variant was also identified in the LOVD 3.0 database (1x, splicing affected). The variant was not identified in dbSNP, ClinVar, Clinvitae, Cosmic, MutDB, UMD-LSDB, or the Zhejiang Colon Cancer Database. The variant was also not identified in the following control databases: the 1000 Genomes Project, the NHLBI GO Exome Sequencing Project, the Exome Aggregation Consortium (August 8th 2016), or the Genome Aggregation Database (Feb 27, 2017). In a study by Out 2015, in silico analysis predicted an in-frame skipping of exon 14, which was confirmed by reverse transcriptase PCR. The c.1958+1_1958+2dupGT variant is located in the 5' splice region but does not affect the invariant +1 and +2 positions. However, positions +3 to +6 are part of the splicing consensus sequence and variants involving these positions sometimes affect splicing. In addition, 4 of 5 in silico or computational prediction software programs (SpliceSiteFinder, MaxEntScan, NNSPLICE, GeneSplicer, HumanSpliceFinder) predict a greater than 10% difference in splicing. In summary, based on the above information the clinical significance of this variant cannot be determined with certainty at this time. This variant is classified as a variant of uncertain significance.

Literature cited by the submitters: PubMed 20564245 (cited by 3 submitters); PubMed 25604157 (cited by Color Diagnostics, LLC DBA Color Health and Women's Health and Genetics/Laboratory Corporation of America, LabCorp).

NM_000038.6(APC):c.1958+1_1958+2dup

Gene: APC (APC regulator of Wnt signaling pathway; plus strand). Cytogenetic location: 5q22.2.
Variant type: Duplication.
Coding change: c.1958+1_1958+2dup on transcript NM_000038.6 (MANE Select); the canonical splice donor site of the intron after coding-DNA position 1958, 2 bases duplicated (GT; older notation c.1958+1_1958+2dupGT).
Molecular consequence: splice donor variant.
Genome position (GRCh38, 1-based): chr5:112,835,166-112,835,167, GT duplicated. VCF-style (leftmost placement, unchanged base first): chr5-112835165-G-GGT. GRCh37 (hg19) VCF-style: chr5-112170862-G-GGT.
Other names: c.1958+1_1958+2dup (NM_001354895.2, NM_001127510.3); c.1988+1_1988+2dup (NM_001354897.2); c.1685+1_1685+2dup (NM_001354902.2); c.1904+1_1904+2dup (NM_001127511.3); c.1883+1_1883+2dup (NM_001354898.2); c.1580+1_1580+2dup (NM_001354904.2); c.1109+1_1109+2dup (NM_001354906.2); c.2012+1_2012+2dup (NM_001354896.2); and 5 more.
Identifiers: ClinVar variation 633040 (VCV000633040.5), dbSNP rs1561569606, ClinGen allele CA658683034.